The following is an entry in ClinVar:

NM_000030.3(AGXT):c.569G>A (p.Gly190Glu)

Gene: AGXT (alanine--glyoxylate aminotransferase; plus strand). Cytogenetic location: 2q37.3.
Variant type: single nucleotide variant.
Coding change: c.569G>A on transcript NM_000030.3 (MANE Select); coding-DNA position 569, G replaced by A.
Protein change: p.Gly190Glu; replaces glycine 190 with glutamic acid.
Molecular consequence: missense variant.
Genome position (GRCh38, 1-based): chr2:240,873,023, G>A. VCF-style: chr2-240873023-G-A. GRCh37 (hg19) VCF-style: chr2-241812440-G-A.
Other names: short protein forms G190E.
Identifiers: ClinVar variation 2029395 (VCV002029395.4), dbSNP rs2106429472, ClinGen allele CA351316579.

ClinVar aggregate classification (germline): Likely pathogenic (1 of 4 stars; one submission).

Submission:

Labcorp Genetics (formerly Invitae), Labcorp
Classification: Likely pathogenic. Last evaluated: 2022-09-07. Review status: criteria provided, single submitter. Criteria: Invitae Variant Classification Sherloc (09022015). Collection method: clinical testing. Allele origin: germline.
Comment: In summary, the currently available evidence indicates that the variant is pathogenic, but additional data are needed to prove that conclusively. Therefore, this variant has been classified as Likely Pathogenic. This sequence change replaces glycine, which is neutral and non-polar, with glutamic acid, which is acidic and polar, at codon 190 of the AGXT protein (p.Gly190Glu). This variant is not present in population databases (gnomAD no frequency). This variant has not been reported in the literature in individuals affected with AGXT-related conditions. Advanced modeling of protein sequence and biophysical properties (such as structural, functional, and spatial information, amino acid conservation, physicochemical variation, residue mobility, and thermodynamic stability) performed at Invitae indicates that this missense variant is expected to disrupt AGXT protein function. This variant disrupts the p.Gly190 amino acid residue in AGXT. Other variant(s) that disrupt this residue have been determined to be pathogenic (PMID: 9604803, 15849466, 15961946, 27568336, 27935012). This suggests that this residue is clinically significant, and that variants that disrupt this residue are likely to be disease-causing.

Literature cited by the submitters: PubMed 9604803; PubMed 15849466; PubMed 15961946; PubMed 27568336; PubMed 27935012.